The following is an entry in ClinVar:

ClinVar aggregate classification (germline): Uncertain significance. Review status: criteria provided, multiple submitters, no conflicts (2 of 4 stars). 2 submissions from 2 submitters: Uncertain significance (2). Last evaluated 2025-10-16.

Conditions:
Hereditary cancer-predisposing syndrome. Also called: Neoplastic Syndromes, Hereditary; Hereditary Cancer Syndrome; Tumor predisposition; Hereditary neoplastic syndrome. Identifiers: Orphanet 140162, MedGen C0027672, MeSH D009386, MONDO:0015356.
Ataxia-telangiectasia syndrome (AT). Also called: LOUIS-BAR SYNDROME; Cerebello-oculocutaneous telangiectasia; Immunodeficiency with ataxia telangiectasia; Ataxia-telangiectasia, complementation group D; AT, COMPLEMENTATION GROUP C; Ataxia-telangiectasia, complementation group E. Identifiers: Orphanet 100, MedGen C0004135, MONDO:0008840, OMIM 208900.

Allele frequency attached by ClinVar (database versions not stated): gnomAD 0.00001; TOPMed 0.00001.

Submissions (2):

Labcorp Genetics (formerly Invitae), Labcorp
Classification: Uncertain significance for Ataxia-telangiectasia syndrome. Last evaluated: 2025-10-16. Review status: criteria provided, single submitter. Criteria: Invitae Variant Classification Sherloc (09022015). Collection method: clinical testing. Allele origin: germline.
Comment: This sequence change replaces glutamic acid, which is acidic and polar, with glycine, which is neutral and non-polar, at codon 2499 of the ATM protein (p.Glu2499Gly). This variant is not present in population databases (gnomAD no frequency). This variant has not been reported in the literature in individuals affected with ATM-related conditions. ClinVar contains an entry for this variant (Variation ID: 482596). Invitae Evidence Modeling of protein sequence and biophysical properties (such as structural, functional, and spatial information, amino acid conservation, physicochemical variation, residue mobility, and thermodynamic stability) indicates that this missense variant is not expected to disrupt ATM protein function with a negative predictive value of 95%. In summary, the available evidence is currently insufficient to determine the role of this variant in disease. Therefore, it has been classified as a Variant of Uncertain Significance.

Ambry Genetics
Classification: Uncertain significance for Hereditary cancer-predisposing syndrome. Last evaluated: 2024-07-10. Review status: criteria provided, single submitter. Criteria: Ambry Variant Classification Scheme 2023. Collection method: clinical testing. Allele origin: germline.
Comment: The p.E2499G variant (also known as c.7496A>G), located in coding exon 49 of the ATM gene, results from an A to G substitution at nucleotide position 7496. The glutamic acid at codon 2499 is replaced by glycine, an amino acid with similar properties. This amino acid position is not well conserved in available vertebrate species. In addition, this alteration is predicted to be tolerated by in silico analysis. Based on the available evidence, the clinical significance of this variant remains unclear.

NM_000051.4(ATM):c.7496A>G (p.Glu2499Gly)

Genes: C11orf65 (chromosome 11 open reading frame 65; minus strand), ATM (ATM serine/threonine kinase; plus strand). Cytogenetic location: 11q22.3.
Variant type: single nucleotide variant.
Coding change: c.7496A>G on transcript NM_000051.4 (MANE Select); coding-DNA position 7496, A replaced by G.
Protein change: p.Glu2499Gly; replaces glutamic acid 2499 with glycine.
Molecular consequence: missense variant. On other transcripts: intron variant (2).
Genome position (GRCh38, 1-based): chr11:108,330,402, A>G. VCF-style: chr11-108330402-A-G. GRCh37 (hg19) VCF-style: chr11-108201129-A-G.
Other names: c.7496A>G, p.Glu2499Gly (NM_001351834.2); c.641-21331T>C (NM_001330368.2); c.*38+4818T>C (NM_001351110.2); short protein forms E2499G.
Identifiers: ClinVar variation 482596 (VCV000482596.14), dbSNP rs1224705805, ClinGen allele CA382560547.